The following is an entry in ClinVar:

ClinVar aggregate classification (germline): Likely pathogenic (0 of 4 stars; one submission).

Conditions:
Cohen syndrome (COH1). Also called: PEPPER SYNDROME; Cutis verticis gyrata, retinitis pigmentosa, and sensorineural deafness. Identifiers: Orphanet 193, MedGen C0265223, MONDO:0008999, OMIM 216550.

Submission:

Juha Muilu Group; Institute for Molecular Medicine Finland (FIMM)
Classification: Likely pathogenic for Cohen syndrome. Review status: no assertion criteria provided. Collection method: not provided. Allele origin: unknown.
Comment: FinDis database variant: This variant was not found or characterized by our laboratory, data were collected from public sources: see reference
ClinVar note: Converted during submission from probable-pathogenic to Likely pathogenic.

NM_152564.5(VPS13B):c.9631del (p.Tyr3211fs)

Gene: VPS13B (vacuolar protein sorting 13 homolog B; plus strand). Cytogenetic location: 8q22.2.
Variant type: Deletion.
Coding change: c.9631del on transcript NM_152564.5 (MANE Select); coding-DNA position 9631, one base deleted (T; older notation c.9631delT).
Protein change: p.Tyr3211fs; shifts the reading frame from tyrosine 3211.
Molecular consequence: frameshift variant.
Genome position (GRCh38, 1-based): chr8:99,835,213, T deleted. VCF-style (leftmost placement, unchanged base first): chr8-99835212-AT-A. GRCh37 (hg19) VCF-style: chr8-100847440-AT-A.
Other names: c.9706delT (NM_017890.4); c.9706del, p.Tyr3236fs (NM_017890.5); short protein forms Y3211fs, Y3236fs.
Identifiers: ClinVar variation 56701 (VCV000056701.2), dbSNP rs386834121, ClinGen allele CA264154.